The following is an entry in ClinVar:

NM_194248.3(OTOF):c.2615T>C (p.Phe872Ser)

Gene: OTOF (otoferlin; minus strand). Cytogenetic location: 2p23.3.
Variant type: single nucleotide variant.
Coding change: c.2615T>C on transcript NM_194248.3 (MANE Select); coding-DNA position 2615, T replaced by C.
Protein change: p.Phe872Ser; replaces phenylalanine 872 with serine.
Molecular consequence: missense variant.
Genome position (GRCh38, 1-based): chr2:26,476,952, A>G on the plus strand (T>C on the coding strand, the complement: OTOF is on the minus strand). VCF-style: chr2-26476952-A-G. GRCh37 (hg19) VCF-style: chr2-26699820-A-G.
Other names: c.2615T>C, p.Phe872Ser (NM_001287489.2); c.374T>C, p.Phe125Ser (NM_004802.4, NM_194323.3); c.545T>C, p.Phe182Ser (NM_194322.3); short protein forms F125S, F182S, F872S.
Identifiers: ClinVar variation 899213 (VCV000899213.8), dbSNP rs773354262, ClinGen allele CA1563838.

ClinVar aggregate classification (germline): Uncertain significance. Review status: criteria provided, multiple submitters, no conflicts (2 of 4 stars). 3 submissions from 3 submitters: Uncertain significance (3). Last evaluated 2025-10-15.

Conditions:
Autosomal recessive nonsyndromic hearing loss 9. Also called: NEUROSENSORY NONSYNDROMIC RECESSIVE DEAFNESS 9; Deafness, autosomal recessive 9; OTOF-Related Hearing Loss; AUDITORY NEUROPATHY, AUTOSOMAL RECESSIVE, 1, TEMPERATURE-SENSITIVE. Identifiers: Orphanet 90636, MedGen C1832828, MONDO:0010986, OMIM 601071.

Allele frequency attached by ClinVar (database versions not stated): ExAC 0.00001; gnomAD 0.00001; gnomAD exomes 0.00001; TOPMed 0.00001.

Submissions (3):

GeneDx
Classification: Uncertain significance. Last evaluated: 2025-10-15. Review status: criteria provided, single submitter. Criteria: GeneDx Variant Classification Process June 2021. Collection method: clinical testing. Allele origin: germline. Affected: yes.
Comment: Not observed at significant frequency in large population cohorts (gnomAD); In silico analysis supports that this missense variant has a deleterious effect on protein structure/function; Has not been previously published as pathogenic or benign to our knowledge

Blueprint Genetics
Classification: Uncertain significance. Last evaluated: 2023-11-17. Review status: criteria provided, single submitter. Criteria: ACMG Guidelines, 2015. Collection method: clinical testing. Allele origin: germline.

Illumina Laboratory Services, Illumina
Classification: Uncertain significance for Autosomal recessive nonsyndromic hearing loss 9. Last evaluated: 2018-01-13. Review status: criteria provided, single submitter. Criteria: ICSL Variant Classification Criteria 13 December 2019. Collection method: clinical testing. Allele origin: germline.